The following is an entry in ClinVar:

NM_020693.4(DSCAML1):c.2927A>G (p.Glu976Gly)

Gene: DSCAML1 (DS cell adhesion molecule like 1; minus strand). Cytogenetic location: 11q23.3.
Variant type: single nucleotide variant.
Coding change: c.2927A>G on transcript NM_020693.4 (MANE Select); coding-DNA position 2927, A replaced by G.
Protein change: p.Glu976Gly; replaces glutamic acid 976 with glycine.
Molecular consequence: missense variant.
Genome position (GRCh38, 1-based): chr11:117,471,895, T>C on the plus strand (A>G on the coding strand, the complement: DSCAML1 is on the minus strand). VCF-style: chr11-117471895-T-C. GRCh37 (hg19) VCF-style: chr11-117342610-T-C.
Other names: short protein forms E976G.
Identifiers: ClinVar variation 1410690 (VCV001410690.6), dbSNP rs200208683, ClinGen allele CA6296853.

ClinVar aggregate classification (germline): Uncertain significance (1 of 4 stars; one submission).

Allele frequency attached by ClinVar (database versions not stated): gnomAD exomes below 0.00001; ExAC 0.00001; 1000 Genomes Project 30x 0.00016; 1000 Genomes Project 0.00020.
gnomAD v4.1: 1 of 1,612,554 alleles (0.000062%); highest among the groups gnomAD compares: East Asian, 0.0022%; no homozygotes.

Submission:

Labcorp Genetics (formerly Invitae), Labcorp
Classification: Uncertain significance. Last evaluated: 2021-10-18. Review status: criteria provided, single submitter. Criteria: Invitae Variant Classification Sherloc (09022015). Collection method: clinical testing. Allele origin: germline.
Comment: In summary, the available evidence is currently insufficient to determine the role of this variant in disease. Therefore, it has been classified as a Variant of Uncertain Significance. This sequence change replaces glutamic acid with glycine at codon 1036 of the DSCAML1 protein (p.Glu1036Gly). The glutamic acid residue is highly conserved and there is a moderate physicochemical difference between glutamic acid and glycine. This variant is present in population databases (rs200208683, ExAC 0.01%). This variant has not been reported in the literature in individuals affected with DSCAML1-related conditions. Algorithms developed to predict the effect of missense changes on protein structure and function output the following: SIFT: "Deleterious"; PolyPhen-2: "Benign"; Align-GVGD: "Class C0". The glycine amino acid residue is found in multiple mammalian species, which suggests that this missense change does not adversely affect protein function.